The following is an entry in ClinVar:

NM_005584.5(MAB21L1):c.772A>C (p.Arg258=)

Genes: MAB21L1 (mab-21 like 1; minus strand), NBEA (neurobeachin; plus strand). Cytogenetic location: 13q13.3.
Variant type: single nucleotide variant.
Coding change: c.772A>C on transcript NM_005584.5 (MANE Select); coding-DNA position 772, A replaced by C.
Protein change: p.Arg258=; no amino-acid change (arginine 258 retained).
Molecular consequence: synonymous variant. On other transcripts: intron variant (3).
Genome position (GRCh38, 1-based): chr13:35,475,367, T>G on the plus strand (A>C on the coding strand, the complement: MAB21L1 is on the minus strand). VCF-style: chr13-35475367-T-G. GRCh37 (hg19) VCF-style: chr13-36049504-T-G.
Other names: c.6585+2831T>G (NM_001385012.1, NM_015678.5); c.6576+2831T>G (NM_001379245.1).
Identifiers: ClinVar variation 3045338 (VCV003045338.2), dbSNP rs2549592929, ClinGen allele CA483429710.

ClinVar aggregate classification (germline): Likely benign (0 of 4 stars; one submission).

Conditions:
MAB21L1-related disorder. Also called: MAB21L1-related condition.

Allele frequency attached by ClinVar (database versions not stated): gnomAD exomes below 0.00001.
gnomAD v4.1: 2 of 1,613,912 alleles (0.00012%); highest among the groups gnomAD compares: South Asian, 0.0022%; no homozygotes.

Submission:

PreventionGenetics, part of Exact Sciences
Classification: Likely benign for MAB21L1-related condition. Last evaluated: 2023-01-12. Review status: no assertion criteria provided. Collection method: clinical testing. Allele origin: germline.
Comment: This variant is classified as likely benign based on ACMG/AMP sequence variant interpretation guidelines (Richards et al. 2015 PMID: 25741868, with internal and published modifications).